The following is an entry in ClinVar:

ClinVar aggregate classification (germline): Uncertain significance (1 of 4 stars; one submission).

Submission:

Labcorp Genetics (formerly Invitae), Labcorp
Classification: Uncertain significance. Last evaluated: 2019-02-13. Review status: criteria provided, single submitter. Criteria: Invitae Variant Classification Sherloc (09022015). Collection method: clinical testing. Allele origin: germline.
Comment: In summary, the available evidence is currently insufficient to determine the role of this variant in disease. Therefore, it has been classified as a Variant of Uncertain Significance. This variant disrupts the C-terminus of the POGZ protein. Other variant that disrupts this region (p.Q1283*) has been observed in an individual affected with POGZ-related conditions (PMID: 26942287). This suggests that this may be a clinically significant region of the protein. Experimental studies and prediction algorithms are not available for this variant, and the functional significance of the affected amino acids is currently unknown. This variant has not been reported in the literature in individuals with POGZ-related conditions. This variant is not present in population databases (ExAC no frequency). This sequence change results in a premature translational stop signal in the POGZ gene (p.Gly1198Trpfs*4). While this is not anticipated to result in nonsense mediated decay, it is expected to disrupt the last 213 amino acids of the POGZ protein.

Literature cited by the submitters: PubMed 26942287.

NM_015100.4(POGZ):c.3591dup (p.Gly1198fs)

Gene: POGZ (pogo transposable element derived with ZNF domain; minus strand). Cytogenetic location: 1q21.3.
Variant type: Duplication.
Coding change: c.3591dup on transcript NM_015100.4 (MANE Select); coding-DNA position 3591, one base duplicated (T; older notation c.3591dupT).
Protein change: p.Gly1198fs; shifts the reading frame from glycine 1198.
Molecular consequence: frameshift variant.
Genome position (GRCh38, 1-based): chr1:151,405,444, A duplicated on the plus strand (T on the coding strand, the reverse complement: POGZ is on the minus strand). VCF-style (leftmost placement, unchanged base first): chr1-151405443-C-CA. GRCh37 (hg19) VCF-style: chr1-151377919-C-CA.
Other names: c.3564dup, p.Gly1189fs (NM_001194937.2); c.3405dup, p.Gly1136fs (NM_001194938.2); c.3306dup, p.Gly1103fs (NM_145796.4); c.3432dup, p.Gly1145fs (NM_207171.2); short protein forms G1136fs, G1145fs, G1189fs, G1103fs, G1198fs.
Identifiers: ClinVar variation 836230 (VCV000836230.9), dbSNP rs1653399009, ClinGen allele CA916082083.